The following is an entry in ClinVar:

ClinVar aggregate classification (germline): Uncertain significance (1 of 4 stars; one submission).

Conditions:
Paragangliomas with sensorineural hearing loss. Identifiers: MedGen C1868633.
Pheochromocytoma. Also called: MAX-Related Hereditary Paraganglioma-Pheochromocytoma Syndrome. Identifiers: Orphanet 29072, MedGen C0031511, MONDO:0008233, OMIM 171300, HP:0002666.
Cowden syndrome 3 (CWS3). Identifiers: Orphanet 201, MedGen CN166604, MONDO:0014045.
Carney-Stratakis syndrome. Also called: PARAGANGLIOMA AND GASTROINTESTINAL STROMAL TUMOR. Identifiers: Orphanet 97286, MedGen C1847319, MONDO:0011740, OMIM 606864.

Submission:

Labcorp Genetics (formerly Invitae), Labcorp
Classification: Uncertain significance for Carney-Stratakis syndrome; Paragangliomas with sensorineural hearing loss; Pheochromocytoma; Cowden syndrome 3. Last evaluated: 2022-03-29. Review status: criteria provided, single submitter. Criteria: Invitae Variant Classification Sherloc (09022015). Collection method: clinical testing. Allele origin: germline.
Comment: Advanced modeling of protein sequence and biophysical properties (such as structural, functional, and spatial information, amino acid conservation, physicochemical variation, residue mobility, and thermodynamic stability) performed at Invitae indicates that this missense variant is expected to disrupt SDHD protein function. In summary, the available evidence is currently insufficient to determine the role of this variant in disease. Therefore, it has been classified as a Variant of Uncertain Significance. This variant has not been reported in the literature in individuals affected with SDHD-related conditions. This variant is not present in population databases (gnomAD no frequency). This sequence change replaces tyrosine, which is neutral and polar, with serine, which is neutral and polar, at codon 84 of the SDHD protein (p.Tyr84Ser).

NM_003002.4(SDHD):c.251A>C (p.Tyr84Ser)

Gene: SDHD (succinate dehydrogenase complex subunit D; plus strand). Cytogenetic location: 11q23.1.
Variant type: single nucleotide variant.
Coding change: c.251A>C on transcript NM_003002.4 (MANE Select); coding-DNA position 251, A replaced by C.
Protein change: p.Tyr84Ser; replaces tyrosine 84 with serine.
Molecular consequence: missense variant. On other transcripts: non-coding transcript variant (1), intron variant (1).
Genome position (GRCh38, 1-based): chr11:112,088,948, A>C. VCF-style: chr11-112088948-A-C. GRCh37 (hg19) VCF-style: chr11-111959672-A-C.
Other names: c.134A>C, p.Tyr45Ser (NM_001276504.2); c.251A>C, p.Tyr84Ser (NM_001276506.2); c.169+975A>C (NM_001276503.2); short protein forms Y84S, Y45S.
Identifiers: ClinVar variation 2119223 (VCV002119223.4), dbSNP rs980027847, ClinGen allele CA228551728.